The following is an entry in ClinVar:

NM_000074.3(CD40LG):c.415C>T (p.Gln139Ter)

Gene: CD40LG (CD40 ligand; plus strand). Cytogenetic location: Xq26.3.
Variant type: single nucleotide variant.
Coding change: c.415C>T on transcript NM_000074.3 (MANE Select); coding-DNA position 415, C replaced by T.
Protein change: p.Gln139Ter; replaces glutamine 139 with a stop codon.
Molecular consequence: nonsense.
Genome position (GRCh38, 1-based): chrX:136,659,044, C>T. VCF-style: chrX-136659044-C-T. GRCh37 (hg19) VCF-style: chrX-135741203-C-T.
Other names: short protein forms Q139*.
Identifiers: ClinVar variation 4293392 (VCV004293392.1).

ClinVar aggregate classification (germline): Likely pathogenic (1 of 4 stars; one submission).

Conditions:
Hyper-IgM syndrome type 1. Also called: Hyper-IgM Immunodeficiency Syndrome, Type 1; X-linked hyper-IgM syndrome; Immunodeficiency, X-linked, with hyper-IgM; CD40 Ligand Deficiency. Identifiers: Orphanet 101088, MedGen C0398689, MONDO:0010626, OMIM 308230.

Submission:

3billion
Classification: Likely pathogenic for Hyper-IgM syndrome type 1. Last evaluated: 2024-10-07. Review status: criteria provided, single submitter. Criteria: ACMG Guidelines, 2015. Collection method: clinical testing. Allele origin: germline. Affected: yes.
Comment: The variant is not observed in the gnomAD v4.1.0 dataset. Predicted Consequence/Location: Stop-gained (nonsense): predicted to result in a loss or disruption of normal protein function through protein truncation. Multiple pathogenic variants are reported in the predicted truncated region. The variant has been reported to be associated with CD40LG related disorder (PMID: 15358621). Therefore, this variant is classified as Likely pathogenic according to the recommendation of ACMG/AMP guideline.

Literature cited by the submitters: PubMed 15358621.